The following is an entry in ClinVar:

NM_024685.4(BBS10):c.83_84delinsAG (p.Cys28Ter)

Gene: BBS10 (Bardet-Biedl syndrome 10; minus strand). Cytogenetic location: 12q21.2.
Variant type: Indel.
Coding change: c.83_84delinsAG on transcript NM_024685.4 (MANE Select); coding-DNA positions 83 to 84, GC replaced by AG.
Protein change: p.Cys28Ter; replaces cysteine 28 with a stop codon.
Molecular consequence: nonsense.
Genome position (GRCh38, 1-based): chr12:76,348,275-76,348,276, GC replaced by CT on the plus strand (GC replaced by AG on the coding strand, the reverse complement: BBS10 is on the minus strand). VCF-style: chr12-76348275-GC-CT. GRCh37 (hg19) VCF-style: chr12-76742055-GC-CT.
Other names: c.83_84delGCinsAG (NM_024685.3); c.83_84delinsAG, p.Cys28Ter (LRG_1255t1); short protein forms C28*.
Identifiers: ClinVar variation 432908 (VCV000432908.4), dbSNP rs1555202801, ClinGen allele CA645372917.

ClinVar aggregate classification (germline): Pathogenic. Review status: criteria provided, single submitter (1 of 4 stars). 2 submissions from 2 submitters: Pathogenic (1). 1 of the submissions does not count toward it. Last evaluated 2017-06-13.

Conditions:
Bardet-Biedl syndrome 10 (BBS10). Identifiers: Orphanet 110, MedGen C1859568, MONDO:0014438, OMIM 615987.

Submissions (2):

GeneDx
Classification: Pathogenic. Last evaluated: 2017-06-13. Review status: criteria provided, single submitter. Criteria: GeneDx Variant Classification (06012015). Collection method: clinical testing. Allele origin: germline. Affected: yes.
Comment: The c.83_84delGCinsAG variant in the BBS10 gene has not been reported previously as a pathogenic variant nor as a benign variant, to our knowledge. The c.83_84delGCinsAG variant results in the replacement of the normal Cysteine residue at position 28 with a premature Stop codon, denoted p.C28X. This variant is predicted to cause loss of normal protein function either through protein truncation or nonsense-mediated mRNA decay. The c.83_84delGCinsAG variant is not observed in large population cohorts (Lek et al., 2016; 1000 Genomes Consortium et al., 2015; Exome Variant Server). We interpret c.83_84delGCinsAG as a pathogenic variant.

Counsyl
Classification: Likely pathogenic for Bardet-Biedl syndrome 10. Last evaluated: 2015-02-17. Review status: no assertion criteria provided. Collection method: clinical testing. Allele origin: unknown. Not counted in ClinVar's aggregate classification.